The following is an entry in ClinVar:

NM_000038.6(APC):c.4090A>C (p.Ser1364Arg)

Gene: APC (APC regulator of Wnt signaling pathway; plus strand). Cytogenetic location: 5q22.2.
Variant type: single nucleotide variant.
Coding change: c.4090A>C on transcript NM_000038.6 (MANE Select); coding-DNA position 4090, A replaced by C.
Protein change: p.Ser1364Arg; replaces serine 1364 with arginine.
Molecular consequence: missense variant.
Genome position (GRCh38, 1-based): chr5:112,839,684, A>C. VCF-style: chr5-112839684-A-C. GRCh37 (hg19) VCF-style: chr5-112175381-A-C.
Other names: c.4090A>C, p.Ser1364Arg (NM_001127510.3, NM_001354895.2); c.4036A>C, p.Ser1346Arg (NM_001127511.3); c.4144A>C, p.Ser1382Arg (NM_001354896.2); c.4120A>C, p.Ser1374Arg (NM_001354897.2); c.4015A>C, p.Ser1339Arg (NM_001354898.2); c.4006A>C, p.Ser1336Arg (NM_001354899.2); c.3967A>C, p.Ser1323Arg (NM_001354900.2); c.3913A>C, p.Ser1305Arg (NM_001354901.2); and 5 more; short protein forms S1263R, S1323R, S1339R, S1081R, S1204R, S1305R, S1374R, S1336R.
Identifiers: ClinVar variation 824583 (VCV000824583.4), dbSNP rs1580643905, ClinGen allele CA16030287.

ClinVar aggregate classification (germline): Uncertain significance (1 of 4 stars; one submission).

Conditions:
Hereditary cancer-predisposing syndrome. Also called: Neoplastic Syndromes, Hereditary; Tumor predisposition; Hereditary neoplastic syndrome; Hereditary Cancer Syndrome. Identifiers: Orphanet 140162, MedGen C0027672, MeSH D009386, MONDO:0015356.

Submission:

Ambry Genetics
Classification: Uncertain significance for Hereditary cancer-predisposing syndrome. Last evaluated: 2019-11-21. Review status: criteria provided, single submitter. Criteria: Ambry Variant Classification Scheme 2023. Collection method: clinical testing. Allele origin: germline.
Comment: The p.S1364R variant (also known as c.4090A>C), located in coding exon 15 of the APC gene, results from an A to C substitution at nucleotide position 4090. The serine at codon 1364 is replaced by arginine, an amino acid with dissimilar properties. This amino acid position is highly conserved in available vertebrate species. In addition, in silico predictors for this gene do not accurately predict pathogenicity. Since supporting evidence is limited at this time, the clinical significance of this alteration remains unclear.